The following is an entry in ClinVar:

ClinVar aggregate classification (germline): Uncertain significance (1 of 4 stars; one submission).

Conditions:
Dilated cardiomyopathy 1O (CMD1O). Also called: CARDIOMYOPATHY, DILATED, WITH VENTRICULAR TACHYCARDIA. Identifiers: Orphanet 154, MedGen C1837839, MONDO:0012062, OMIM 608569.

gnomAD v4.1: 1 of 1,612,948 alleles (0.000062%); highest among the groups gnomAD compares: South Asian, 0.0011%; no homozygotes.

Submission:

Labcorp Genetics (formerly Invitae), Labcorp
Classification: Uncertain significance for Dilated cardiomyopathy 1O. Last evaluated: 2025-03-19. Review status: criteria provided, single submitter. Criteria: Invitae Variant Classification Sherloc (09022015). Collection method: clinical testing. Allele origin: germline.
Comment: This sequence change replaces asparagine, which is neutral and polar, with serine, which is neutral and polar, at codon 606 of the ABCC9 protein (p.Asn606Ser). This variant is not present in population databases (gnomAD no frequency). This variant has not been reported in the literature in individuals affected with ABCC9-related conditions. ClinVar contains an entry for this variant (Variation ID: 3006693). Invitae Evidence Modeling of protein sequence and biophysical properties (such as structural, functional, and spatial information, amino acid conservation, physicochemical variation, residue mobility, and thermodynamic stability) indicates that this missense variant is not expected to disrupt ABCC9 protein function with a negative predictive value of 95%. In summary, the available evidence is currently insufficient to determine the role of this variant in disease. Therefore, it has been classified as a Variant of Uncertain Significance.

NM_020297.4(ABCC9):c.1817A>G (p.Asn606Ser)

Gene: ABCC9 (ATP binding cassette subfamily C member 9; minus strand). Cytogenetic location: 12p12.1.
Variant type: single nucleotide variant.
Coding change: c.1817A>G on transcript NM_020297.4 (MANE Select); coding-DNA position 1817, A replaced by G.
Protein change: p.Asn606Ser; replaces asparagine 606 with serine.
Molecular consequence: missense variant.
Genome position (GRCh38, 1-based): chr12:21,887,920, T>C on the plus strand (A>G on the coding strand, the complement: ABCC9 is on the minus strand). VCF-style: chr12-21887920-T-C. GRCh37 (hg19) VCF-style: chr12-22040854-T-C.
Other names: c.1817A>G, p.Asn606Ser (NM_001377273.1, NM_005691.4); c.953A>G, p.Asn318Ser (NM_001377274.1); short protein forms N606S, N318S.
Identifiers: ClinVar variation 3006693 (VCV003006693.3), dbSNP rs149229372, ClinGen allele CA6481574.